The following is an entry in ClinVar:

ClinVar aggregate classification (germline): Uncertain significance (1 of 4 stars; one submission).

Submission:

Women's Health and Genetics/Laboratory Corporation of America, LabCorp
Classification: Uncertain significance. Last evaluated: 2024-06-13. Review status: criteria provided, single submitter. Criteria: LabCorp Variant Classification Summary - May 2015. Collection method: clinical testing. Allele origin: germline.
Comment: Variant summary: The variant involves the deletion of exon 1 in the CFHR3 gene. A presumed nomenclature of c.(?_-48)_(58+1_59-1)del has been designated for the purposes of this classification. The exact breakpoint at the 5' end of this variant is unknown, therefore this deletion may extend upstream of the annotated region of this gene. Although the exact breakpoints of this deletion are not known, it is predicted to remove the initiation codon and result in an absence of protein or a truncation of the encoded protein due to translation initiation at a downstream site. However, current evidence is not sufficient to establish whether loss-of-function variants in the gene cause disease. A similar large deletion (Size: 9,230 bp; which affects the 5'-UTR and a large part of exon 1) was found at a frequency of 0.17 in 121120 control chromosomes in the gnomAD database (Structural Variants v4.1 dataset), including 42 homozygotes. The observed variant frequency is approximately 1000-fold of the estimated maximal expected allele frequency for a pathogenic variant in CFHR3 causing Genetic Atypical Hemolytic Uremic Syndrome phenotype (0.00016). The deletion of exon 1 in the CFHR3 gene has been reported in the literature in 3/2302 individuals affected with Atypical Hemolytic Uremic Syndrome (Rodriguez de Cordoba_2023). These report(s) do not provide unequivocal conclusions about association of the variant with Genetic Atypical Hemolytic Uremic Syndrome. To our knowledge, no experimental evidence demonstrating an impact on protein function has been reported. The following publication have been ascertained in the context of this evaluation (PMID: 36089777). No submitters have cited clinical-significance assessments for this variant to ClinVar. Based on the evidence outlined above, the variant was classified as uncertain significance.

Literature cited by the submitters: PubMed 36089777.

NC_000001.10:g.(?_196743969)_(196744075_196748291)del

Gene: CFHR3 (complement factor H related 3; plus strand). Cytogenetic location: 1q31.3.
Variant type: Deletion.
Identifiers: ClinVar variation 3339543 (VCV003339543.1).